The following is an entry in ClinVar:

NM_080473.5(GATA5):c.826-7C>T

Gene: GATA5 (GATA binding protein 5; minus strand). Cytogenetic location: 20q13.33.
Variant type: single nucleotide variant.
Coding change: c.826-7C>T on transcript NM_080473.5 (MANE Select); 7 bases into the intron before coding-DNA position 826, C replaced by T.
Molecular consequence: intron variant.
Genome position (GRCh38, 1-based): chr20:62,465,928, G>A on the plus strand (C>T on the coding strand, the complement: GATA5 is on the minus strand). VCF-style: chr20-62465928-G-A. GRCh37 (hg19) VCF-style: chr20-61040984-G-A.
Identifiers: ClinVar variation 703244 (VCV000703244.14), dbSNP rs75105648, ClinGen allele CA9946156.

ClinVar aggregate classification (germline): Benign/Likely benign. Review status: criteria provided, multiple submitters, no conflicts (2 of 4 stars). 3 submissions from 3 submitters: Benign (1); Likely benign (1). 1 of the submissions does not count toward it. Last evaluated 2026-01-18.

Conditions:
GATA5-related disorder. Also called: GATA5-related condition.

Allele frequency attached by ClinVar (database versions not stated): ESP Exome Variant Server 0.00015; gnomAD exomes 0.00056 and 0.00288; gnomAD 0.00088 and 0.00116; TOPMed 0.00154; ExAC 0.00392; 1000 Genomes Project 30x 0.00609; 1000 Genomes Project 0.00639.
gnomAD v4.1: 1,058 of 1,573,882 alleles (0.067%); highest among the groups gnomAD compares: East Asian, 2%; 16 homozygotes.

Submissions (3):

Labcorp Genetics (formerly Invitae), Labcorp
Classification: Benign. Last evaluated: 2026-01-18. Review status: criteria provided, single submitter. Criteria: Invitae Variant Classification Sherloc (09022015). Collection method: clinical testing. Allele origin: germline.

GeneDx
Classification: Likely benign. Last evaluated: 2019-04-24. Review status: criteria provided, single submitter. Criteria: GeneDx Variant Classification Process June 2021. Collection method: clinical testing. Allele origin: germline. Affected: yes.

PreventionGenetics, part of Exact Sciences
Classification: Likely benign for GATA5-related condition. Last evaluated: 2019-03-20. Review status: no assertion criteria provided. Collection method: clinical testing. Allele origin: germline. Not counted in ClinVar's aggregate classification.
Comment: This variant is classified as likely benign based on ACMG/AMP sequence variant interpretation guidelines (Richards et al. 2015 PMID: 25741868, with internal and published modifications).